The following is an entry in ClinVar:

ClinVar aggregate classification (germline): Uncertain significance (1 of 4 stars; one submission).

Allele frequency attached by ClinVar (database versions not stated): gnomAD exomes below 0.00001.
gnomAD v4.1: 1 of 1,608,386 alleles (0.000062%); highest among the groups gnomAD compares: Non-Finnish European, 0.000085%; no homozygotes.

Submission:

GeneDx
Classification: Uncertain significance. Last evaluated: 2023-02-13. Review status: criteria provided, single submitter. Criteria: GeneDx Variant Classification Process June 2021. Collection method: clinical testing. Allele origin: germline. Affected: yes.
Comment: Not observed at significant frequency in large population cohorts (gnomAD); In silico analysis supports that this missense variant has a deleterious effect on protein structure/function; Has not been previously published as pathogenic or benign to our knowledge

NM_001961.4(EEF2):c.2441T>G (p.Phe814Cys)

Gene: EEF2 (eukaryotic translation elongation factor 2; minus strand). Cytogenetic location: 19p13.3.
Variant type: single nucleotide variant.
Coding change: c.2441T>G on transcript NM_001961.4 (MANE Select); coding-DNA position 2441, T replaced by G.
Protein change: p.Phe814Cys; replaces phenylalanine 814 with cysteine.
Molecular consequence: missense variant.
Genome position (GRCh38, 1-based): chr19:3,976,690, A>C on the plus strand (T>G on the coding strand, the complement: EEF2 is on the minus strand). VCF-style: chr19-3976690-A-C. GRCh37 (hg19) VCF-style: chr19-3976688-A-C.
Other names: short protein forms F814C.
Identifiers: ClinVar variation 2575667 (VCV002575667.1), dbSNP rs2512197824, ClinGen allele CA403388674.